The following is an entry in ClinVar:

ClinVar aggregate classification (germline): Uncertain significance (1 of 4 stars; one submission).

Conditions:
Congenital myasthenic syndrome 15. Also called: Myasthenic syndrome, congenital, 15, without tubular aggregates. Identifiers: Orphanet 353327, Orphanet 590, MedGen C4015596, MONDO:0014542, OMIM 616227.

Allele frequency attached by ClinVar (database versions not stated): gnomAD 0.00001; gnomAD exomes 0.00001 and 0.00002; TOPMed 0.00001; ExAC 0.00002.
gnomAD v4.1: 29 of 1,614,032 alleles (0.0018%); highest among the groups gnomAD compares: South Asian, 0.023%; no homozygotes.

Submission:

Labcorp Genetics (formerly Invitae), Labcorp
Classification: Uncertain significance for Congenital myasthenic syndrome 15. Last evaluated: 2024-02-24. Review status: criteria provided, single submitter. Criteria: Invitae Variant Classification Sherloc (09022015). Collection method: clinical testing. Allele origin: germline.
Comment: This sequence change replaces isoleucine, which is neutral and non-polar, with threonine, which is neutral and polar, at codon 187 of the ALG14 protein (p.Ile187Thr). This variant is present in population databases (rs775514355, gnomAD 0.02%). This variant has not been reported in the literature in individuals affected with ALG14-related conditions. ClinVar contains an entry for this variant (Variation ID: 1444819). An algorithm developed to predict the effect of missense changes on protein structure and function (PolyPhen-2) suggests that this variant is likely to be disruptive. In summary, the available evidence is currently insufficient to determine the role of this variant in disease. Therefore, it has been classified as a Variant of Uncertain Significance.

NM_144988.4(ALG14):c.560T>C (p.Ile187Thr)

Gene: ALG14 (ALG14 UDP-N-acetylglucosaminyltransferase subunit; minus strand). Cytogenetic location: 1p21.3.
Variant type: single nucleotide variant.
Coding change: c.560T>C on transcript NM_144988.4 (MANE Select); coding-DNA position 560, T replaced by C.
Protein change: p.Ile187Thr; replaces isoleucine 187 with threonine.
Molecular consequence: missense variant. On other transcripts: non-coding transcript variant (1), 3 prime UTR variant (1).
Genome position (GRCh38, 1-based): chr1:94,983,167, A>G on the plus strand (T>C on the coding strand, the complement: ALG14 is on the minus strand). VCF-style: chr1-94983167-A-G. GRCh37 (hg19) VCF-style: chr1-95448723-A-G.
Other names: c.*129T>C (NM_001305242.2); short protein forms I187T.
Identifiers: ClinVar variation 1444819 (VCV001444819.7), dbSNP rs775514355, ClinGen allele CA961752.
Genomic context (GRCh38, chr1:94,983,167, plus strand): 5'-GGATACTTTTCTTTCAGAGCCGGCCACTGAACAATGAAGTAATCTGAGAGATGAAACAGA[A>G]TCTTTCCGGACATGGATAACGTTTCTACACGGCAGATGCTTTCAACGTAGACAATGATCA-3'
Protein context (NP_659425.1, residues 177-197): RVETLSMSGK[Ile187Thr]LFHLSDYFIV